The following is an entry in ClinVar:

NM_007294.4(BRCA1):c.2331T>A (p.Tyr777Ter)

Gene: BRCA1 (BRCA1 DNA repair associated; minus strand). Cytogenetic location: 17q21.31.
Variant type: single nucleotide variant.
Coding change: c.2331T>A on transcript NM_007294.4 (MANE Select); coding-DNA position 2331, T replaced by A.
Protein change: p.Tyr777Ter; replaces tyrosine 777 with a stop codon.
Molecular consequence: nonsense. On other transcripts: intron variant (137).
Genome position (GRCh38, 1-based): chr17:43,093,200, A>T on the plus strand (T>A on the coding strand, the complement: BRCA1 is on the minus strand). VCF-style: chr17-43093200-A-T. GRCh37 (hg19) VCF-style: chr17-41245217-A-T.
Other names: c.2121T>A, p.Tyr707Ter (NM_001407904.1, NM_001407906.1, NM_001407907.1 and 13 more transcripts); c.2118T>A, p.Tyr706Ter (NM_001407915.1, NM_001407916.1, NM_001407917.1 and 9 more transcripts); c.2208T>A, p.Tyr736Ter (NM_001407919.1, NM_001407937.1, NM_001407938.1 and 19 more transcripts); c.2067T>A, p.Tyr689Ter (NM_001407920.1, NM_001407921.1, NM_001407922.1 and 9 more transcripts); c.2064T>A, p.Tyr688Ter (NM_001407930.1, NM_001407931.1, NM_001407932.1 and 2 more transcripts); c.2205T>A, p.Tyr735Ter (NM_001407940.1, NM_001407941.1, NM_001407649.1 and 11 more transcripts); c.2190T>A, p.Tyr730Ter (NM_001407942.1, NM_001407944.1, NM_001407945.1 and 29 more transcripts); c.2187T>A, p.Tyr729Ter (NM_001407943.1, NM_001407964.1, NM_001407740.1 and 20 more transcripts); and 41 more; short protein forms Y777*, Y730*, Y666*, Y688*, Y689*, Y706*, Y650*, Y751*.
Identifiers: ClinVar variation 54538 (VCV000054538.4), dbSNP rs80357444, ClinGen allele CA001557.

ClinVar aggregate classification (germline): Pathogenic. Review status: reviewed by expert panel (3 of 4 stars). 3 submissions from 3 submitters: Pathogenic (1). 2 of the submissions do not count toward it. Last evaluated 2016-09-08.

Conditions:
Breast-ovarian cancer, familial, susceptibility to, 1 (BROVCA1). Also called: OVARIAN CANCER, SUSCEPTIBILITY TO; BRCA1 Hereditary Breast and Ovarian Cancer. Identifiers: Orphanet 145, MedGen C2676676, MONDO:0011450, OMIM 604370. Disease mechanism: loss of function.

Submissions (3):

Evidence-based Network for the Interpretation of Germline Mutant Alleles (ENIGMA)
Classification: Pathogenic for Breast-ovarian cancer, familial, susceptibility to, 1. Last evaluated: 2016-09-08. Review status: reviewed by expert panel. Criteria: ENIGMA BRCA1/2 Classification Criteria (2015). Collection method: curation. Allele origin: germline.
Comment: Variant allele predicted to encode a truncated non-functional protein.

Molecular Genetics Laboratory, University of Michigan
Classification: Pathogenic for Breast-ovarian cancer, familial, susceptibility to, 1. Last evaluated: 2014-11-03. Review status: criteria provided, single submitter. Criteria: ACMG Guidelines, 2015. Collection method: clinical testing. Allele origin: germline. Affected: yes. Not counted in ClinVar's aggregate classification.

Breast Cancer Information Core (BIC) (BRCA1)
Classification: Pathogenic for Breast-ovarian cancer, familial 1. Last evaluated: 2002-05-29. Review status: no assertion criteria provided. Collection method: clinical testing. Allele origin: germline. Affected: yes. Observed: 1 variant allele. Not counted in ClinVar's aggregate classification.